The following is an entry in ClinVar:

ClinVar aggregate classification (germline): Likely benign (0 of 4 stars; one submission).

Conditions:
THBS2-related disorder. Also called: THBS2-related condition.

Allele frequency attached by ClinVar (database versions not stated): gnomAD exomes 0.00017; ExAC 0.00044; gnomAD 0.00151; 1000 Genomes Project 30x 0.00156; ESP Exome Variant Server 0.00169; TOPMed 0.00172; 1000 Genomes Project 0.00180.
gnomAD v4.1: 481 of 1,614,150 alleles (0.03%); highest among the groups gnomAD compares: African/African-American, 0.58%; 1 homozygote.

Submission:

PreventionGenetics, part of Exact Sciences
Classification: Likely benign for THBS2-related condition. Last evaluated: 2020-01-28. Review status: no assertion criteria provided. Collection method: clinical testing. Allele origin: germline.
Comment: This variant is classified as likely benign based on ACMG/AMP sequence variant interpretation guidelines (Richards et al. 2015 PMID: 25741868, with internal and published modifications).

NM_003247.5(THBS2):c.2203G>A (p.Gly735Arg)

Genes: THBS2 (thrombospondin 2; minus strand), THBS2-AS1 (THBS2 antisense RNA 1; plus strand). Cytogenetic location: 6q27.
Variant type: single nucleotide variant.
Coding change: c.2203G>A on transcript NM_003247.5 (MANE Select); coding-DNA position 2203, G replaced by A.
Protein change: p.Gly735Arg; replaces glycine 735 with arginine.
Molecular consequence: missense variant. On other transcripts: non-coding transcript variant (2).
Genome position (GRCh38, 1-based): chr6:169,229,628, C>T on the plus strand (G>A on the coding strand, the complement: THBS2 is on the minus strand). VCF-style: chr6-169229628-C-T. GRCh37 (hg19) VCF-style: chr6-169629723-C-T.
Other names: c.2029G>A, p.Gly677Arg (NM_001381939.1); c.1972G>A, p.Gly658Arg (NM_001381942.1); short protein forms G658R, G677R, G735R.
Identifiers: ClinVar variation 3041153 (VCV003041153.2), dbSNP rs140600818, ClinGen allele CA4103063.